The following is an entry in ClinVar:

NM_005333.5(HCCS):c.650G>A (p.Arg217His)

Gene: HCCS (holocytochrome c synthase; plus strand). Cytogenetic location: Xp22.2.
Variant type: single nucleotide variant.
Coding change: c.650G>A on transcript NM_005333.5 (MANE Select); coding-DNA position 650, G replaced by A.
Protein change: p.Arg217His; replaces arginine 217 with histidine.
Molecular consequence: missense variant.
Genome position (GRCh38, 1-based): chrX:11,121,653, G>A. VCF-style: chrX-11121653-G-A. GRCh37 (hg19) VCF-style: chrX-11139773-G-A.
Other names: c.650G>A, p.Arg217His (NM_001122608.3, NM_001171991.3); short protein forms R217H.
Identifiers: ClinVar variation 3390917 (VCV003390917.1).

ClinVar aggregate classification (germline): Likely pathogenic (1 of 4 stars; one submission).

Conditions:
Linear skin defects with multiple congenital anomalies 1 (LSDMCA1). Also called: MLS syndrome; Microphthalmia with Linear Skin Defects Syndrome; MIDAS SYNDROME. Identifiers: Orphanet 2556, MedGen C0796070, MONDO:0024552, OMIM 309801.

Submission:

Genomics, Genetics and Epigenetics Laboratory, Medical College of Wisconsin
Classification: Likely pathogenic for Linear skin defects with multiple congenital anomalies 1. Last evaluated: 2024-11-12. Review status: criteria provided, single submitter. Criteria: ACMG Guidelines, 2015. Collection method: research. Allele origin: unknown. Affected: yes.
Comment: The NM_005333.5:c.650G>A generates a missesne variant at postiion 217, where a different missense variant has been reported in an individual with MLS. The variant is ultrarare, seen in 1/12104 alleles in gnomAD v4.1.0. The patient's pheotype is highly consistent with MLS.